The following is an entry in ClinVar:

NM_000535.7(PMS2):c.680T>C (p.Ile227Thr)

Gene: PMS2 (PMS1 homolog 2, mismatch repair system component; minus strand). Cytogenetic location: 7p22.1.
Variant type: single nucleotide variant.
Coding change: c.680T>C on transcript NM_000535.7 (MANE Select); coding-DNA position 680, T replaced by C.
Protein change: p.Ile227Thr; replaces isoleucine 227 with threonine.
Molecular consequence: missense variant. On other transcripts: 5 prime UTR variant (2), non-coding transcript variant (1), intron variant (1).
Genome position (GRCh38, 1-based): chr7:5,999,133, A>G on the plus strand (T>C on the coding strand, the complement: PMS2 is on the minus strand). VCF-style: chr7-5999133-A-G. GRCh37 (hg19) VCF-style: chr7-6038764-A-G.
Other names: c.275T>C, p.Ile92Thr (NM_001018040.1, NM_001322003.2, NM_001322004.2 and 20 more transcripts); c.680T>C, p.Ile227Thr (NM_001322006.2, NM_001322014.2, NM_001406870.1 and 4 more transcripts); c.362T>C, p.Ile121Thr (NM_001322007.2, NM_001322008.2, NM_001406876.1 and 4 more transcripts); c.-254T>C (NM_001322011.2, NM_001322012.2); c.371T>C, p.Ile124Thr (NM_001322015.2, NM_001406875.1, NM_001406877.1 and 6 more transcripts); c.866T>C, p.Ile289Thr (NM_001406866.1); c.704T>C, p.Ile235Thr (NM_001406868.1); c.344T>C, p.Ile115Thr (NM_001406885.1); and 1 more; short protein forms I227T, I289T, I235T, I92T, I115T, I121T, I124T.
Identifiers: ClinVar variation 1950916 (VCV001950916.7), dbSNP rs1583385976, ClinGen allele CA366743858.

ClinVar aggregate classification (germline): Uncertain significance. Review status: criteria provided, multiple submitters, no conflicts (2 of 4 stars). 3 submissions from 3 submitters: Uncertain significance (3). Last evaluated 2025-07-28.

Conditions:
Hereditary cancer-predisposing syndrome. Also called: Hereditary Cancer Syndrome; Neoplastic Syndromes, Hereditary; Tumor predisposition; Hereditary neoplastic syndrome. Identifiers: Orphanet 140162, MedGen C0027672, MeSH D009386, MONDO:0015356.
Hereditary nonpolyposis colorectal neoplasms. Identifiers: MedGen C0009405, MeSH D003123.

Submissions (3):

Ambry Genetics
Classification: Uncertain significance for Hereditary cancer-predisposing syndrome. Last evaluated: 2025-07-28. Review status: criteria provided, single submitter. Criteria: Ambry Variant Classification Scheme 2023. Collection method: clinical testing. Allele origin: germline.
Comment: The p.I227T variant (also known as c.680T>C), located in coding exon 6 of the PMS2 gene, results from a T to C substitution at nucleotide position 680. The isoleucine at codon 227 is replaced by threonine, an amino acid with similar properties. This amino acid position is conserved. In addition, this alteration is predicted to be deleterious by in silico analysis. Based on the available evidence, the clinical significance of this variant remains unclear.

Labcorp Genetics (formerly Invitae), Labcorp
Classification: Uncertain significance for Hereditary nonpolyposis colorectal neoplasms. Last evaluated: 2024-12-04. Review status: criteria provided, single submitter. Criteria: Invitae Variant Classification Sherloc (09022015). Collection method: clinical testing. Allele origin: germline.
Comment: This sequence change replaces isoleucine, which is neutral and non-polar, with threonine, which is neutral and polar, at codon 227 of the PMS2 protein (p.Ile227Thr). This variant is not present in population databases (gnomAD no frequency). This variant has not been reported in the literature in individuals affected with PMS2-related conditions. ClinVar contains an entry for this variant (Variation ID: 1950916). Invitae Evidence Modeling incorporating data from in vitro experimental studies (internal data) indicates that this missense variant is not expected to disrupt PMS2 function with a negative predictive value of 95%. In summary, the available evidence is currently insufficient to determine the role of this variant in disease. Therefore, it has been classified as a Variant of Uncertain Significance.

Blueprint Genetics
Classification: Uncertain significance. Last evaluated: 2024-08-20. Review status: criteria provided, single submitter. Criteria: ACMG Guidelines, 2015. Collection method: clinical testing. Allele origin: germline.